The following is an entry in ClinVar:

NM_000548.5(TSC2):c.505G>A (p.Asp169Asn)

Gene: TSC2 (TSC complex subunit 2; plus strand). Cytogenetic location: 16p13.3.
Variant type: single nucleotide variant.
Coding change: c.505G>A on transcript NM_000548.5 (MANE Select); coding-DNA position 505, G replaced by A.
Protein change: p.Asp169Asn; replaces aspartic acid 169 with asparagine.
Molecular consequence: missense variant. On other transcripts: intron variant (1).
Genome position (GRCh38, 1-based): chr16:2,055,425, G>A. VCF-style: chr16-2055425-G-A. GRCh37 (hg19) VCF-style: chr16-2105426-G-A.
Other names: c.505G>A, p.Asp169Asn (NM_001077183.3, NM_001114382.3, NM_001363528.2 and 3 more transcripts); c.394G>A, p.Asp132Asn (NM_001318827.2); c.358G>A, p.Asp120Asn (NM_001318829.2); c.538G>A, p.Asp180Asn (NM_001318832.2); c.-1-771G>A (NM_001318831.2); short protein forms D132N, D169N, D180N, D120N.
Identifiers: ClinVar variation 952666 (VCV000952666.12), dbSNP rs2085657148, ClinGen allele CA394309180.

ClinVar aggregate classification (germline): Uncertain significance. Review status: criteria provided, multiple submitters, no conflicts (2 of 4 stars). 2 submissions from 2 submitters: Uncertain significance (2). Last evaluated 2020-02-17.

Conditions:
Tuberous sclerosis 2 (TSC2). Identifiers: Orphanet 805, MedGen C1860707, MONDO:0013199, OMIM 613254.
Hereditary cancer-predisposing syndrome. Also called: Hereditary neoplastic syndrome; Tumor predisposition; Neoplastic Syndromes, Hereditary; Hereditary Cancer Syndrome. Identifiers: Orphanet 140162, MedGen C0027672, MeSH D009386, MONDO:0015356.

Submissions (2):

Ambry Genetics
Classification: Uncertain significance for Hereditary cancer-predisposing syndrome. Last evaluated: 2020-02-17. Review status: criteria provided, single submitter. Criteria: Ambry Variant Classification Scheme 2023. Collection method: clinical testing. Allele origin: germline.
Comment: The p.D169N variant (also known as c.505G>A), located in coding exon 5 of the TSC2 gene, results from a G to A substitution at nucleotide position 505. The aspartic acid at codon 169 is replaced by asparagine, an amino acid with highly similar properties. This amino acid position is well conserved in available vertebrate species. In addition, this alteration is predicted to be tolerated by in silico analysis. Since supporting evidence is limited at this time, the clinical significance of this alteration remains unclear.

Labcorp Genetics (formerly Invitae), Labcorp
Classification: Uncertain significance for Tuberous sclerosis 2. Last evaluated: 2019-06-13. Review status: criteria provided, single submitter. Criteria: Invitae Variant Classification Sherloc (09022015). Collection method: clinical testing. Allele origin: germline.
Comment: In summary, the available evidence is currently insufficient to determine the role of this variant in disease. Therefore, it has been classified as a Variant of Uncertain Significance. Algorithms developed to predict the effect of missense changes on protein structure and function are either unavailable or do not agree on the potential impact of this missense change (SIFT: "Deleterious"; PolyPhen-2: "Benign"; Align-GVGD: "Class C0"). This variant has not been reported in the literature in individuals with TSC2-related conditions. This variant is not present in population databases (ExAC no frequency). This sequence change replaces aspartic acid with asparagine at codon 169 of the TSC2 protein (p.Asp169Asn). The aspartic acid residue is moderately conserved and there is a small physicochemical difference between aspartic acid and asparagine.